The following is an entry in ClinVar:

ClinVar aggregate classification (germline): Conflicting classifications of pathogenicity. Review status: criteria provided, conflicting classifications (1 of 4 stars). 13 submissions from 13 submitters: Uncertain significance (1); Benign (2); Likely benign (6). 4 of the submissions do not count toward it. Last evaluated 2026-08-01.

Conditions:
SACS-related disorder. Also called: SACS-related condition.
Spastic paraplegia. Identifiers: MedGen C0037772, HP:0001258.
Hereditary spastic paraplegia. Also called: Familial spastic paraparesis. Identifiers: Orphanet 685, MedGen C0037773, MONDO:0019064. Disease mechanism: loss of function.
Charlevoix-Saguenay spastic ataxia (SACS). Also called: SPASTIC ATAXIA 6, AUTOSOMAL RECESSIVE; AUTOSOMAL RECESSIVE SPASTIC ATAXIA OF CHARLEVOIX-SAGUENAY; Spastic ataxia of Charlevoix-Saguenay. Identifiers: Orphanet 98, MedGen C1849140, MONDO:0010041, OMIM 270550.

Allele frequency attached by ClinVar (database versions not stated): ExAC 0.00046; gnomAD exomes 0.00050 and 0.00082; 1000 Genomes Project 0.00060; gnomAD 0.00061 and 0.00087; 1000 Genomes Project 30x 0.00094; TOPMed 0.00109; ESP Exome Variant Server 0.00161.
gnomAD v4.1: 1,322 of 1,614,006 alleles (0.082%); highest among the groups gnomAD compares: Non-Finnish European, 0.1%; 4 homozygotes.

Submissions (13):

CeGaT Center for Human Genetics Tuebingen
Classification: Likely benign. Last evaluated: 2026-08-01. Review status: criteria provided, single submitter. Criteria: CeGaT Center For Human Genetics Tuebingen Variant Classification Criteria Version 2. Collection method: clinical testing. Allele origin: germline. Affected: yes. Observed: 3 variant alleles.
Comment: SACS: BP4, BP7

Labcorp Genetics (formerly Invitae), Labcorp
Classification: Likely benign for Spastic paraplegia. Last evaluated: 2026-01-19. Review status: criteria provided, single submitter. Criteria: Invitae Variant Classification Sherloc (09022015). Collection method: clinical testing. Allele origin: germline.

Blueprint Genetics
Classification: Likely benign. Last evaluated: 2024-10-22. Review status: criteria provided, single submitter. Criteria: ACMG Guidelines, 2015. Collection method: clinical testing. Allele origin: germline.

Athena Diagnostics
Classification: Benign. Last evaluated: 2024-03-25. Review status: criteria provided, single submitter. Criteria: Athena Diagnostics Criteria. Collection method: clinical testing. Allele origin: unknown.

Mayo Clinic Laboratories, Mayo Clinic
Classification: Benign. Last evaluated: 2023-11-16. Review status: criteria provided, single submitter. Criteria: ACMG Guidelines, 2015. Collection method: clinical testing. Allele origin: germline. Observed: 5 variant alleles.
Comment: BA1, BS2, BP4, BP7

Genome-Nilou Lab
Classification: Likely benign for Charlevoix-Saguenay spastic ataxia. Last evaluated: 2021-09-05. Review status: criteria provided, single submitter. Criteria: ACMG Guidelines, 2015. Collection method: clinical testing. Allele origin: germline. Affected: no.

Genome Diagnostics Laboratory, The Hospital for Sick Children
Classification: Likely benign for Hereditary spastic paraplegia. Last evaluated: 2021-06-06. Review status: criteria provided, single submitter. Criteria: ACMG Guidelines, 2015. Collection method: clinical testing. Allele origin: germline. Affected: yes.

GeneDx
Classification: Likely benign. Last evaluated: 2020-08-26. Review status: criteria provided, single submitter. Criteria: GeneDx Variant Classification Process June 2021. Collection method: clinical testing. Allele origin: germline. Affected: yes.

Illumina Laboratory Services, Illumina
Classification: Uncertain significance for Charlevoix-Saguenay spastic ataxia. Last evaluated: 2018-01-17. Review status: criteria provided, single submitter. Criteria: ICSL Variant Classification Criteria 13 December 2019. Collection method: clinical testing. Allele origin: germline.
Comment: This variant was observed as part of a predisposition screen in an ostensibly healthy population. A literature search was performed for the gene, cDNA change, and amino acid change (where applicable). Publications were found based on this search. However, the evidence from the literature, in combination with allele frequency data from public databases where available, was not sufficient to rule this variant in or out of causing disease. Therefore, this variant is classified as a variant of unknown significance.

PreventionGenetics, part of Exact Sciences
Classification: Likely benign for SACS-related condition. Last evaluated: 2019-07-31. Review status: no assertion criteria provided. Collection method: clinical testing. Allele origin: germline. Not counted in ClinVar's aggregate classification.
Comment: This variant is classified as likely benign based on ACMG/AMP sequence variant interpretation guidelines (Richards et al. 2015 PMID: 25741868, with internal and published modifications).

Diagnostic Laboratory, Department of Genetics, University Medical Center Groningen
Classification: Likely benign. Review status: no assertion criteria provided. Collection method: clinical testing. Allele origin: germline. Affected: yes. Study: VKGL Data-share Consensus. Not counted in ClinVar's aggregate classification.

Genome Diagnostics Laboratory, University Medical Center Utrecht
Classification: Likely benign. Review status: no assertion criteria provided. Collection method: clinical testing. Allele origin: germline. Affected: yes. Study: VKGL Data-share Consensus. Not counted in ClinVar's aggregate classification.

Joint Genome Diagnostic Labs from Nijmegen and Maastricht, Radboudumc and MUMC+
Classification: Likely benign. Review status: no assertion criteria provided. Collection method: clinical testing. Allele origin: germline. Affected: yes. Study: VKGL Data-share Consensus. Not counted in ClinVar's aggregate classification.

Literature cited by the submitters: PubMed 19779133 (cited by Athena Diagnostics and Illumina Laboratory Services, Illumina).

NM_014363.6(SACS):c.12813T>G (p.Pro4271=)

Gene: SACS (sacsin molecular chaperone; minus strand). Cytogenetic location: 13q12.12.
Variant type: single nucleotide variant.
Coding change: c.12813T>G on transcript NM_014363.6 (MANE Select); coding-DNA position 12813, T replaced by G.
Protein change: p.Pro4271=; no amino-acid change (proline 4271 retained).
Molecular consequence: synonymous variant.
Genome position (GRCh38, 1-based): chr13:23,331,063, A>C on the plus strand (T>G on the coding strand, the complement: SACS is on the minus strand). VCF-style: chr13-23331063-A-C. GRCh37 (hg19) VCF-style: chr13-23905202-A-C.
Other names: p.Pro4271=; c.12372T>G, p.Pro4124= (NM_001278055.2).
Identifiers: ClinVar variation 458253 (VCV000458253.55), dbSNP rs146376949, ClinGen allele CA6910078.